The following is an entry in ClinVar:

ClinVar aggregate classification (germline): Uncertain significance (1 of 4 stars; one submission).

Submission:

Labcorp Genetics (formerly Invitae), Labcorp
Classification: Uncertain significance. Last evaluated: 2025-11-17. Review status: criteria provided, single submitter. Criteria: Invitae Variant Classification Sherloc (09022015). Collection method: clinical testing. Allele origin: germline.
Comment: This sequence change falls in intron 18 of the FBN3 gene. It does not directly change the encoded amino acid sequence of the FBN3 protein. This variant is not present in population databases (gnomAD no frequency). This variant has not been reported in the literature in individuals affected with FBN3-related conditions. ClinVar contains an entry for this variant (Variation ID: 2015318). Algorithms developed to predict the effect of sequence changes on RNA splicing suggest that this variant may disrupt the consensus splice site. In summary, the available evidence is currently insufficient to determine the role of this variant in disease. Therefore, it has been classified as a Variant of Uncertain Significance.

NM_032447.5(FBN3):c.2297-15G>A

Gene: FBN3 (fibrillin 3; minus strand). Cytogenetic location: 19p13.2.
Variant type: single nucleotide variant.
Coding change: c.2297-15G>A on transcript NM_032447.5 (MANE Select); 15 bases into the intron before coding-DNA position 2297, G replaced by A.
Molecular consequence: intron variant.
Genome position (GRCh38, 1-based): chr19:8,126,847, C>T on the plus strand (G>A on the coding strand, the complement: FBN3 is on the minus strand). VCF-style: chr19-8126847-C-T. GRCh37 (hg19) VCF-style: chr19-8191731-C-T.
Other names: c.2297-15G>A (NM_001321431.2).
Identifiers: ClinVar variation 2015318 (VCV002015318.4), dbSNP rs2512895085, ClinGen allele CA2580097140.